The following is an entry in ClinVar:

ClinVar aggregate classification (germline): Uncertain significance (1 of 4 stars; one submission).

Conditions:
MYH7B-related disorder. Also called: MYH7B-related condition.

gnomAD v4.1: 24 of 1,535,486 alleles (0.0016%); highest among the groups gnomAD compares: African/African-American, 0.0097%; no homozygotes.

Submission:

PreventionGenetics, part of Exact Sciences
Classification: Uncertain significance for MYH7B-related condition. Last evaluated: 2026-02-11. Review status: criteria provided, single submitter. Criteria: ACMG Guidelines, 2015. Collection method: clinical testing. Allele origin: germline.
Comment: The MYH7B c.3588C>T variant is not predicted to result in an amino acid change (p.=). This variant is predicted to alter splicing based on available splicing prediction programs (SpliceAI, Jaganathan et al. 2019. PubMed ID: 30661751). To our knowledge, this variant has not been reported in the literature. This variant is reported in 0.016% of alleles in individuals of African descent in gnomAD. At this time, the clinical significance of this variant is uncertain due to the absence of conclusive functional and genetic evidence.

NM_020884.7(MYH7B):c.3462C>T (p.Ser1154=)

Gene: MYH7B (myosin heavy chain 7B; plus strand). Cytogenetic location: 20q11.22.
Variant type: single nucleotide variant.
Coding change: c.3462C>T on transcript NM_020884.7 (MANE Select); coding-DNA position 3462, C replaced by T.
Protein change: p.Ser1154=; no amino-acid change (serine 1154 retained).
Molecular consequence: synonymous variant.
Genome position (GRCh38, 1-based): chr20:34,997,355, C>T. VCF-style: chr20-34997355-C-T. GRCh37 (hg19) VCF-style: chr20-33585158-C-T.
Identifiers: ClinVar variation 4978284 (VCV004978284.1).